The following is an entry in ClinVar:

ClinVar aggregate classification (germline): Uncertain significance (1 of 4 stars; one submission).

Conditions:
Hereditary cancer-predisposing syndrome. Also called: Neoplastic Syndromes, Hereditary; Tumor predisposition; Hereditary Cancer Syndrome; Hereditary neoplastic syndrome. Identifiers: Orphanet 140162, MedGen C0027672, MeSH D009386, MONDO:0015356.

Submission:

Ambry Genetics
Classification: Uncertain significance for Hereditary cancer-predisposing syndrome. Last evaluated: 2024-11-08. Review status: criteria provided, single submitter. Criteria: Ambry Variant Classification Scheme 2023. Collection method: clinical testing. Allele origin: germline.
Comment: The p.C503Y variant (also known as c.1508G>A), located in coding exon 12 of the POT1 gene, results from a G to A substitution at nucleotide position 1508. The cysteine at codon 503 is replaced by tyrosine, an amino acid with highly dissimilar properties. This amino acid position is highly conserved in available vertebrate species. In addition, this alteration is predicted to be deleterious by in silico analysis. Based on the available evidence, the clinical significance of this variant remains unclear.

NM_015450.3(POT1):c.1508G>A (p.Cys503Tyr)

Gene: POT1 (protection of telomeres 1; minus strand). Cytogenetic location: 7q31.33.
Variant type: single nucleotide variant.
Coding change: c.1508G>A on transcript NM_015450.3 (MANE Select); coding-DNA position 1508, G replaced by A.
Protein change: p.Cys503Tyr; replaces cysteine 503 with tyrosine.
Molecular consequence: missense variant. On other transcripts: non-coding transcript variant (2).
Genome position (GRCh38, 1-based): chr7:124,829,340, C>T on the plus strand (G>A on the coding strand, the complement: POT1 is on the minus strand). VCF-style: chr7-124829340-C-T. GRCh37 (hg19) VCF-style: chr7-124469394-C-T.
Other names: c.1115G>A, p.Cys372Tyr (NM_001042594.2); short protein forms C372Y, C503Y.
Identifiers: ClinVar variation 3423139 (VCV003423139.1).
Genomic context (GRCh38, chr7:124,829,340, plus strand): 5'-GATGTTTTATCAACCAGGGAATTTAGATTTTGTATGGATCTCAAACTAGAACACTGTTTA[C>T]ATCTGAAATTTATAAAAGAAAGAACCATAAATATTTAAAAATAATTTAGCTTGTTTGTTA-3'
Protein context (NP_056265.2, residues 493-513): LIQGTIHHYG[Cys503Tyr]KQCSSLRSIQ